The following is an entry in ClinVar:

ClinVar aggregate classification (germline): Uncertain significance. Review status: criteria provided, multiple submitters, no conflicts (2 of 4 stars). 2 submissions from 2 submitters: Uncertain significance (2). Last evaluated 2025-12-09.

Conditions:
Peroxisome biogenesis disorder 11A (Zellweger). Also called: Peroxisome biogenesis disorder 11A. Identifiers: Orphanet 912, MedGen C3554000, MONDO:0013949, OMIM 614883.
Inborn genetic diseases. Identifiers: MedGen C0950123, MeSH D030342.

Allele frequency attached by ClinVar (database versions not stated): gnomAD 0.00001; gnomAD exomes 0.00001 and below 0.00001; TOPMed 0.00002.
gnomAD v4.1: 14 of 1,613,950 alleles (0.00087%); highest among the groups gnomAD compares: Admixed American, 0.0017%; no homozygotes.

Submissions (2):

Ambry Genetics
Classification: Uncertain significance for Inborn genetic diseases. Last evaluated: 2025-12-09. Review status: criteria provided, single submitter. Criteria: Ambry Variant Classification Scheme 2023. Collection method: clinical testing. Allele origin: germline.

Labcorp Genetics (formerly Invitae), Labcorp
Classification: Uncertain significance for Peroxisome biogenesis disorder 11A (Zellweger). Last evaluated: 2022-08-23. Review status: criteria provided, single submitter. Criteria: Invitae Variant Classification Sherloc (09022015). Collection method: clinical testing. Allele origin: germline.
Comment: This sequence change replaces threonine, which is neutral and polar, with methionine, which is neutral and non-polar, at codon 365 of the PEX13 protein (p.Thr365Met). This variant is present in population databases (rs769398640, gnomAD 0.003%). This variant has not been reported in the literature in individuals affected with PEX13-related conditions. ClinVar contains an entry for this variant (Variation ID: 1450993). Algorithms developed to predict the effect of missense changes on protein structure and function output the following: SIFT: "Tolerated"; PolyPhen-2: "Benign"; Align-GVGD: "Class C0". The methionine amino acid residue is found in multiple mammalian species, which suggests that this missense change does not adversely affect protein function. In summary, the available evidence is currently insufficient to determine the role of this variant in disease. Therefore, it has been classified as a Variant of Uncertain Significance.

NM_002618.4(PEX13):c.1094C>T (p.Thr365Met)

Gene: PEX13 (peroxisomal biogenesis factor 13; plus strand). Cytogenetic location: 2p15.
Variant type: single nucleotide variant.
Coding change: c.1094C>T on transcript NM_002618.4 (MANE Select); coding-DNA position 1094, C replaced by T.
Protein change: p.Thr365Met; replaces threonine 365 with methionine.
Molecular consequence: missense variant.
Genome position (GRCh38, 1-based): chr2:61,048,652, C>T. VCF-style: chr2-61048652-C-T. GRCh37 (hg19) VCF-style: chr2-61275787-C-T.
Other names: c.1094C>T (NM_002618.3); short protein forms T365M.
Identifiers: ClinVar variation 1450993 (VCV001450993.4), dbSNP rs769398640, ClinGen allele CA48356119.